The following is an entry in ClinVar:

NM_024870.4(PREX2):c.2658T>C (p.Ser886=)

Gene: PREX2 (phosphatidylinositol-3,4,5-trisphosphate dependent Rac exchange factor 2; plus strand). Cytogenetic location: 8q13.2.
Variant type: single nucleotide variant.
Coding change: c.2658T>C on transcript NM_024870.4 (MANE Select); coding-DNA position 2658, T replaced by C.
Protein change: p.Ser886=; no amino-acid change (serine 886 retained).
Molecular consequence: synonymous variant.
Genome position (GRCh38, 1-based): chr8:68,099,786, T>C. VCF-style: chr8-68099786-T-C. GRCh37 (hg19) VCF-style: chr8-69012021-T-C.
Other names: c.2658T>C, p.Ser886= (NM_025170.6); c.2658T>C (NM_024870.3).
Identifiers: ClinVar variation 2658643 (VCV002658643.25), dbSNP rs141715219, ClinGen allele CA4774001.

ClinVar aggregate classification (germline): Likely benign. Review status: criteria provided, single submitter (1 of 4 stars). 2 submissions from 2 submitters: Likely benign (1). 1 of the submissions does not count toward it. Last evaluated 2022-04-01.

Conditions:
PREX2-related disorder. Also called: PREX2-related condition.

Allele frequency attached by ClinVar (database versions not stated): 1000 Genomes Project 30x 0.00031; ESP Exome Variant Server 0.00031; gnomAD exomes 0.00049; gnomAD 0.00050; TOPMed 0.00062; ExAC 0.00077.
gnomAD v4.1: 840 of 1,613,558 alleles (0.052%); highest among the groups gnomAD compares: Middle Eastern, 1%; 2 homozygotes.

Submissions (2):

CeGaT Center for Human Genetics Tuebingen
Classification: Likely benign. Last evaluated: 2022-04-01. Review status: criteria provided, single submitter. Criteria: CeGaT Center For Human Genetics Tuebingen Variant Classification Criteria Version 2. Collection method: clinical testing. Allele origin: germline. Affected: yes. Observed: 1 variant allele.
Comment: PREX2: BP4, BP7

PreventionGenetics, part of Exact Sciences
Classification: Benign for PREX2-related condition. Last evaluated: 2019-02-20. Review status: no assertion criteria provided. Collection method: clinical testing. Allele origin: germline. Not counted in ClinVar's aggregate classification.
Comment: This variant is classified as benign based on ACMG/AMP sequence variant interpretation guidelines (Richards et al. 2015 PMID: 25741868, with internal and published modifications).